The following is an entry in ClinVar:

ClinVar aggregate classification (germline): Uncertain significance (1 of 4 stars; one submission).

Conditions:
Hereditary hemorrhagic telangiectasia (HHT). Also called: ORW DISEASE; Osler Weber Rendu syndrome; OSLER-RENDU-WEBER DISEASE; Osler hemorrhagic telangiectasia syndrome. Identifiers: Orphanet 774, MedGen C0039445, MONDO:0019180. Disease mechanism: loss of function.

Submission:

Labcorp Genetics (formerly Invitae), Labcorp
Classification: Uncertain significance for Hereditary hemorrhagic telangiectasia. Last evaluated: 2025-02-03. Review status: criteria provided, single submitter. Criteria: Invitae Variant Classification Sherloc (09022015). Collection method: clinical testing. Allele origin: germline.
Comment: This sequence change replaces phenylalanine, which is neutral and non-polar, with leucine, which is neutral and non-polar, at codon 403 of the ENG protein (p.Phe403Leu). This variant is not present in population databases (gnomAD no frequency). This variant has not been reported in the literature in individuals affected with ENG-related conditions. Invitae Evidence Modeling of protein sequence and biophysical properties (such as structural, functional, and spatial information, amino acid conservation, physicochemical variation, residue mobility, and thermodynamic stability) indicates that this missense variant is not expected to disrupt ENG protein function with a negative predictive value of 95%. This variant disrupts the p.Phe403 amino acid residue in ENG. Other variant(s) that disrupt this residue have been determined to be pathogenic (internal data). This suggests that this residue is clinically significant, and that variants that disrupt this residue are likely to be disease-causing. In summary, the available evidence is currently insufficient to determine the role of this variant in disease. Therefore, it has been classified as a Variant of Uncertain Significance.

NM_001114753.3(ENG):c.1209T>G (p.Phe403Leu)

Genes: ENG (endoglin; minus strand), LOC102723566 (uncharacterized LOC102723566; plus strand). Cytogenetic location: 9q34.11.
Variant type: single nucleotide variant.
Coding change: c.1209T>G on transcript NM_001114753.3 (MANE Select); coding-DNA position 1209, T replaced by G.
Protein change: p.Phe403Leu; replaces phenylalanine 403 with leucine.
Molecular consequence: missense variant.
Genome position (GRCh38, 1-based): chr9:127,819,963, A>C on the plus strand (T>G on the coding strand, the complement: ENG is on the minus strand). VCF-style: chr9-127819963-A-C. GRCh37 (hg19) VCF-style: chr9-130582242-A-C.
Other names: c.1209T>G, p.Phe403Leu (NM_000118.4); c.663T>G, p.Phe221Leu (NM_001278138.2); short protein forms F221L, F403L.
Identifiers: ClinVar variation 4747285 (VCV004747285.1).